The following is an entry in ClinVar:

ClinVar aggregate classification (germline): Benign/Likely benign. Review status: criteria provided, multiple submitters, no conflicts (2 of 4 stars). 5 submissions from 5 submitters: Benign (2); Likely benign (2). 1 of the submissions does not count toward it. Last evaluated 2026-04-01.

Conditions:
PACS2-related disorder. Also called: PACS2-related condition.

Allele frequency attached by ClinVar (database versions not stated): gnomAD exomes 0.00019 and 0.00075; ExAC 0.00084; gnomAD 0.00222 and 0.00234; TOPMed 0.00271; ESP Exome Variant Server 0.00300; 1000 Genomes Project 0.00339; 1000 Genomes Project 30x 0.00437.
gnomAD v4.1: 628 of 1,613,660 alleles (0.039%); highest among the groups gnomAD compares: African/African-American, 0.67%; 2 homozygotes.

Submissions (5):

CeGaT Center for Human Genetics Tuebingen
Classification: Likely benign. Last evaluated: 2026-04-01. Review status: criteria provided, single submitter. Criteria: CeGaT Center For Human Genetics Tuebingen Variant Classification Criteria Version 2. Collection method: clinical testing. Allele origin: germline. Affected: yes. Observed: 3 variant alleles.
Comment: PACS2: BP4, BP7

Labcorp Genetics (formerly Invitae), Labcorp
Classification: Benign. Last evaluated: 2026-01-26. Review status: criteria provided, single submitter. Criteria: Invitae Variant Classification Sherloc (09022015). Collection method: clinical testing. Allele origin: germline.

Blueprint Genetics
Classification: Likely benign. Last evaluated: 2024-10-22. Review status: criteria provided, single submitter. Criteria: ACMG Guidelines, 2015. Collection method: clinical testing. Allele origin: germline.

Breakthrough Genomics
Classification: Benign. Review status: criteria provided, single submitter. Criteria: ACMG Guidelines, 2015. Collection method: not provided. Allele origin: germline. Inheritance: Autosomal dominant inheritance. Affected: yes.

PreventionGenetics, part of Exact Sciences
Classification: Likely benign for PACS2-related condition. Last evaluated: 2024-04-16. Review status: no assertion criteria provided. Collection method: clinical testing. Allele origin: germline. Not counted in ClinVar's aggregate classification.
Comment: This variant is classified as likely benign based on ACMG/AMP sequence variant interpretation guidelines (Richards et al. 2015 PMID: 25741868, with internal and published modifications).

NM_001100913.3(PACS2):c.348G>A (p.Gln116=)

Gene: PACS2 (phosphofurin acidic cluster sorting protein 2; plus strand). Cytogenetic location: 14q32.33.
Variant type: single nucleotide variant.
Coding change: c.348G>A on transcript NM_001100913.3 (MANE Select); coding-DNA position 348, G replaced by A.
Protein change: p.Gln116=; no amino-acid change (glutamine 116 retained).
Molecular consequence: synonymous variant.
Genome position (GRCh38, 1-based): chr14:105,355,102, G>A. VCF-style: chr14-105355102-G-A. GRCh37 (hg19) VCF-style: chr14-105821439-G-A.
Other names: c.348G>A (NM_001100913.2); c.147G>A, p.Gln49= (NM_001243127.3); c.348G>A, p.Gln116= (NM_015197.4).
Identifiers: ClinVar variation 1169699 (VCV001169699.35), dbSNP rs142209904, ClinGen allele CA7388347.